The following is an entry in ClinVar:

ClinVar aggregate classification (germline): Pathogenic. Review status: criteria provided, multiple submitters, no conflicts (2 of 4 stars). 3 submissions from 3 submitters: Pathogenic (3). Last evaluated 2025-12-08.

Conditions:
USH2A-related disorder. Also called: USH2A-related disorders; USH2A-related condition. Identifiers: MedGen CN239332.
Usher syndrome type 2A. Also called: RETINAL DISEASE IN USHER SYNDROME TYPE IIA, MODIFIER OF; USHER SYNDROME, TYPE IIA. Identifiers: Orphanet 231178, Orphanet 886, MedGen C1848634, MONDO:0010169, OMIM 276901.

Allele frequency attached by ClinVar (database versions not stated): TOPMed 0.00001.
gnomAD v4.1: 1 of 1,614,088 alleles (0.000062%); highest among the groups gnomAD compares: Non-Finnish European, 0.000085%; no homozygotes.

Submissions (3):

PreventionGenetics, part of Exact Sciences
Classification: Pathogenic for USH2A-related condition. Last evaluated: 2025-12-08. Review status: criteria provided, single submitter. Criteria: ACMG Guidelines, 2015. Collection method: clinical testing. Allele origin: germline.
Comment: The USH2A c.7873G>T variant is predicted to result in premature protein termination (p.Glu2625*). This variant has been reported in individuals with Usher syndrome 2 (Table S2, Baux et al. 2014. PubMed ID: 24944099; Table S1, Stone et al. 2017. PubMed ID: 28559085). This variant has not been reported in a large population database (gnomAD), indicating this variant is rare. Nonsense variants in USH2A are expected to be pathogenic. This variant is interpreted as pathogenic.

Natera, Inc.
Classification: Pathogenic for Usher syndrome type 2A. Last evaluated: 2024-12-21. Review status: criteria provided, single submitter. Criteria: Natera Variant Classification Schema (03/2026). Collection method: clinical testing. Allele origin: germline.
Comment: The c.7873G>T variant in USH2A is a nonsense variant predicted to introduce a stop codon at amino acid 2625. This variant is expected to result in nonsense mediated decay, truncation, or a dysfunctional protein product. This variant is rare in the general population with a frequency below the threshold expected for the associated phenotype(s). This variant has been observed in one or more individuals affected with the associated recessive disease, as either homozygous or compound heterozygous with a second variant (PMID: 24944099). Given the available evidence, this variant is classified as Pathogenic.

Labcorp Genetics (formerly Invitae), Labcorp
Classification: Pathogenic. Last evaluated: 2022-05-22. Review status: criteria provided, single submitter. Criteria: Invitae Variant Classification Sherloc (09022015). Collection method: clinical testing. Allele origin: germline.
Comment: For these reasons, this variant has been classified as Pathogenic. Algorithms developed to predict the effect of sequence changes on RNA splicing suggest that this variant may create or strengthen a splice site. ClinVar contains an entry for this variant (Variation ID: 937248). This premature translational stop signal has been observed in individuals with Usher syndrome (PMID: 24944099, 28559085). This variant is not present in population databases (gnomAD no frequency). This sequence change creates a premature translational stop signal (p.Glu2625*) in the USH2A gene. It is expected to result in an absent or disrupted protein product. Loss-of-function variants in USH2A are known to be pathogenic (PMID: 10729113, 10909849, 20507924, 25649381).

Literature cited by the submitters: PubMed 24944099 (cited by Natera, Inc. and Labcorp Genetics (formerly Invitae), Labcorp); PubMed 28559085 (cited by Labcorp Genetics (formerly Invitae), Labcorp); PubMed 10729113 (cited by Labcorp Genetics (formerly Invitae), Labcorp); PubMed 10909849 (cited by Labcorp Genetics (formerly Invitae), Labcorp); PubMed 20507924 (cited by Labcorp Genetics (formerly Invitae), Labcorp); PubMed 25649381 (cited by Labcorp Genetics (formerly Invitae), Labcorp).

NM_206933.4(USH2A):c.7873G>T (p.Glu2625Ter)

Gene: USH2A (usherin; minus strand). Cytogenetic location: 1q41.
Variant type: single nucleotide variant.
Coding change: c.7873G>T on transcript NM_206933.4 (MANE Select); coding-DNA position 7873, G replaced by T.
Protein change: p.Glu2625Ter; replaces glutamic acid 2625 with a stop codon.
Molecular consequence: nonsense.
Genome position (GRCh38, 1-based): chr1:215,888,776, C>A on the plus strand (G>T on the coding strand, the complement: USH2A is on the minus strand). VCF-style: chr1-215888776-C-A. GRCh37 (hg19) VCF-style: chr1-216062118-C-A.
Other names: short protein forms E2625*.
Identifiers: ClinVar variation 937248 (VCV000937248.11), dbSNP rs1259115799, ClinGen allele CA344839591.